The following is an entry in ClinVar:

ClinVar aggregate classification (germline): Pathogenic (1 of 4 stars; one submission).

Submission:

Quest Diagnostics Nichols Institute San Juan Capistrano
Classification: Pathogenic. Last evaluated: 2023-02-14. Review status: criteria provided, single submitter. Criteria: ACMG/ClinGen CNV Guidelines, 2019. Collection method: clinical testing. Allele origin: unknown.
Comment: This loss of 5q35.1q35.2 involves numerous protein-coding genes. Haploinsufficiency of NKX2-5 is associated with various cardiac defects (OMIM 108900, 614435, 217095, 187500, 614432), while heterozygous whole gene deletions and frameshift variants of MSX2 are associated with parietal foramina-1 (OMIM 168500). There are no similar copy number losses of this region in the general populations of the Database of Genomic Variants. Thus, this copy number variant (CNV) is classified as pathogenic.

GRCh37/hg19 5q35.1-35.2(chr5:171836503-176517734)x1

Genes: ARL10 (ARF like GTPase 10; plus strand), ATP6V0E1 (ATPase H+ transporting V0 subunit e1; plus strand), BNIP1 (BCL2 interacting protein 1; plus strand), BOD1 (biorientation of chromosomes in cell division 1; minus strand), C5orf47 (chromosome 5 open reading frame 47; plus strand) and 34 more. Cytogenetic location: 5q35.1-35.2.
Variant type: copy number loss.
Change: copy number 1 (one copy instead of two) of chr5:171,836,503-176,517,734 (4.68 Mb, GRCh37 coordinates, 1-based), cytogenetic band 5q35.1-35.2.
Identifiers: ClinVar variation 2685184 (VCV002685184.1).